The following is an entry in ClinVar:

NM_001457.4(FLNB):c.2608G>C (p.Val870Leu)

Gene: FLNB (filamin B; plus strand). Cytogenetic location: 3p14.3.
Variant type: single nucleotide variant.
Coding change: c.2608G>C on transcript NM_001457.4 (MANE Select); coding-DNA position 2608, G replaced by C.
Protein change: p.Val870Leu; replaces valine 870 with leucine.
Molecular consequence: missense variant.
Genome position (GRCh38, 1-based): chr3:58,112,181, G>C. VCF-style: chr3-58112181-G-C. GRCh37 (hg19) VCF-style: chr3-58097908-G-C.
Other names: c.2608G>C, p.Val870Leu (NM_001164317.2, NM_001164318.2, NM_001164319.2); c.2608G>C (NM_001457.3); short protein forms V870L.
Identifiers: ClinVar variation 3004408 (VCV003004408.5), dbSNP rs1308574602, ClinGen allele CA353345805.
Genomic context (GRCh38, chr3:58,112,181, plus strand): 5'-CTCCTCACTTCACAGTATATCTTTCCAGGTGTGGAAAATGGGAAACCGACCCACTTCACT[G>C]TCTACACCAAGGGGGCTGGGAAAGCCCCGCTCAACGTGCAGTTCAACAGCCCTCTTCCTG-3'
Protein context (NP_001448.2, residues 860-880): VENGKPTHFT[Val870Leu]YTKGAGKAPL

ClinVar aggregate classification (germline): Uncertain significance. Review status: criteria provided, multiple submitters, no conflicts (2 of 4 stars). 3 submissions from 3 submitters: Uncertain significance (3). Last evaluated 2026-04-01.

Conditions:
Inborn genetic diseases. Identifiers: MedGen C0950123, MeSH D030342.

Allele frequency attached by ClinVar (database versions not stated): gnomAD 0.00001; gnomAD exomes below 0.00001; TOPMed below 0.00001.
gnomAD v4.1: 2 of 1,614,016 alleles (0.00012%); highest among the groups gnomAD compares: Non-Finnish European, 0.00017%; no homozygotes.

Submissions (3):

Ambry Genetics
Classification: Uncertain significance for Inborn genetic diseases. Last evaluated: 2026-04-01. Review status: criteria provided, single submitter. Criteria: Ambry Variant Classification Scheme 2023. Collection method: clinical testing. Allele origin: germline.

GeneDx
Classification: Uncertain significance. Last evaluated: 2025-06-20. Review status: criteria provided, single submitter. Criteria: GeneDx Variant Classification Process June 2021. Collection method: clinical testing. Allele origin: germline. Affected: yes.
Comment: Not observed at significant frequency in large population cohorts (gnomAD); In silico analysis suggests that this missense variant does not alter protein structure/function; Has not been previously published as pathogenic or benign to our knowledge

Labcorp Genetics (formerly Invitae), Labcorp
Classification: Uncertain significance. Last evaluated: 2023-12-25. Review status: criteria provided, single submitter. Criteria: Invitae Variant Classification Sherloc (09022015). Collection method: clinical testing. Allele origin: germline.
Comment: This sequence change replaces valine, which is neutral and non-polar, with leucine, which is neutral and non-polar, at codon 870 of the FLNB protein (p.Val870Leu). This variant is not present in population databases (gnomAD no frequency). This variant has not been reported in the literature in individuals affected with FLNB-related conditions. Advanced modeling of protein sequence and biophysical properties (such as structural, functional, and spatial information, amino acid conservation, physicochemical variation, residue mobility, and thermodynamic stability) performed at Invitae indicates that this missense variant is not expected to disrupt FLNB protein function with a negative predictive value of 95%. In summary, the available evidence is currently insufficient to determine the role of this variant in disease. Therefore, it has been classified as a Variant of Uncertain Significance.